The following is an entry in ClinVar:

ClinVar aggregate classification (germline): Pathogenic (1 of 4 stars; one submission).

Conditions:
Cystic fibrosis (CF). Also called: MUCOVISCIDOSIS. Identifiers: Orphanet 586, MedGen C0010674, MONDO:0009061, OMIM 219700. Disease mechanism: loss of function.
CFTR-related disorder (CFTR-RD). Also called: CFTR-related disorders; CFTR-related condition. Identifiers: MedGen C5924204, MONDO:7770004.

Submission:

CFTR-France
Classification: Pathogenic for cystic fibrosis; CFTR-related disorders. Last evaluated: 2018-01-29. Review status: criteria provided, single submitter. Criteria: Claustres M et al. (Hum Mutat 2017). Collection method: curation. Allele origin: germline. Affected: yes.
Comment: the variant causes a phenotype but regarding our data, we can't formally attribute it to CF, CFTR-RD or both

NM_000492.4(CFTR):c.1210-9_1210-6del

Genes: CFTR (CF transmembrane conductance regulator; plus strand), CFTR-AS1 (CFTR antisense RNA 1; minus strand). Cytogenetic location: 7q31.2.
Variant type: Deletion.
Coding change: c.1210-9_1210-6del on transcript NM_000492.4 (MANE Select); 9 bases into the intron before coding-DNA position 1210 through 6 bases into the intron before coding-DNA position 1210, 4 bases deleted (TTTT; older notation c.1210-9_1210-6delTTTT).
Molecular consequence: intron variant.
Genome position (GRCh38, 1-based): chr7:117,548,632-117,548,635, TTTT deleted; deleting any 4 consecutive bases within chr7:117,548,629-117,548,635 gives the same sequence; the c. name uses the placement nearest the transcript's 3' end. VCF-style (leftmost placement, unchanged base first): chr7-117548628-GTTTT-G. GRCh37 (hg19) VCF-style: chr7-117188682-GTTTT-G.
Identifiers: ClinVar variation 818155 (VCV000818155.2), dbSNP rs1805177, ClinGen allele CA915945478.
Genomic context (GRCh38, chr7:117,548,628, plus strand): 5'-CTATTGAAAATATCTGACAAACTCATCTTTTATTTTTGATGTGTGTGTGTGTGTGTGTGT[GTTTT>G]TTTAACAGGGATTTGGGGAATTATTTGAGAAAGCAAAACAAAACAATAACAATAGAAAAA-3'